The following is an entry in ClinVar:

NM_001291415.2(KDM6A):c.28_39del (p.Thr10_Ala13del)

Gene: KDM6A (lysine demethylase 6A; plus strand). Cytogenetic location: Xp11.3.
Variant type: Deletion.
Coding change: c.28_39del on transcript NM_001291415.2 (MANE Select); coding-DNA positions 28 to 39, 12 bases deleted (ACCGCCGCCGCT).
Protein change: p.Thr10_Ala13del.
Molecular consequence: inframe deletion. On other transcripts: 5 prime UTR variant (1), inframe indel (1), non-coding transcript variant (1).
Genome position (GRCh38, 1-based): chrX:44,873,579-44,873,590, ACCGCCGCCGCT deleted; deleting any 12 consecutive bases within chrX:44,873,575-44,873,590 gives the same sequence; the c. name uses the placement nearest the transcript's 3' end. VCF-style (leftmost placement, unchanged base first): chrX-44873574-TCGCTACCGCCGC-T. GRCh37 (hg19) VCF-style: chrX-44732820-TCGCTACCGCCGC-T.
Other names: c.28_39del, p.Thr10_Ala13del (NM_001291416.2, NM_001291417.2, NM_001291418.2 and 1 more transcripts); c.-605_-594del (NM_001291421.2); c.28_39delACCGCCGCCGCT, p.Thr10_Ala13del (NM_001410742.1); c.28_39del (NM_021140.2).
Identifiers: ClinVar variation 1902315 (VCV001902315.6), dbSNP rs769370817, ClinGen allele CA10392091.

ClinVar aggregate classification (germline): Uncertain significance. Review status: criteria provided, multiple submitters, no conflicts (2 of 4 stars). 2 submissions from 2 submitters: Uncertain significance (2). Last evaluated 2025-05-02.

Conditions:
Kabuki syndrome 2 (KABUK2). Also called: KDM6A-Related Kabuki Syndrome. Identifiers: Orphanet 2322, MedGen C3275495, MONDO:0010465, OMIM 300867.

Submissions (2):

GeneDx
Classification: Uncertain significance. Last evaluated: 2025-05-02. Review status: criteria provided, single submitter. Criteria: GeneDx Variant Classification Process June 2021. Collection method: clinical testing. Allele origin: germline. Affected: yes.
Comment: Has not been previously published as pathogenic or benign to our knowledge; In-frame deletion of 4 amino acids in a non-repeat region; In silico analysis supports a deleterious effect on protein structure/function

Labcorp Genetics (formerly Invitae), Labcorp
Classification: Uncertain significance for Kabuki syndrome 2. Last evaluated: 2024-12-02. Review status: criteria provided, single submitter. Criteria: Invitae Variant Classification Sherloc (09022015). Collection method: clinical testing. Allele origin: germline.
Comment: This variant, c.28_39del, results in the deletion of 4 amino acid(s) of the KDM6A protein (p.Thr10_Ala13del), but otherwise preserves the integrity of the reading frame. This variant is present in population databases (rs769370817, gnomAD 0.01%). This variant has not been reported in the literature in individuals affected with KDM6A-related conditions. ClinVar contains an entry for this variant (Variation ID: 1902315). Experimental studies and prediction algorithms are not available or were not evaluated, and the functional significance of this variant is currently unknown. In summary, the available evidence is currently insufficient to determine the role of this variant in disease. Therefore, it has been classified as a Variant of Uncertain Significance.